The following is an entry in ClinVar:

NM_018389.5(SLC35C1):c.209T>G (p.Leu70Arg)

Gene: SLC35C1 (solute carrier family 35 member C1; plus strand). Cytogenetic location: 11p11.2.
Variant type: single nucleotide variant.
Coding change: c.209T>G on transcript NM_018389.5 (MANE Select); coding-DNA position 209, T replaced by G.
Protein change: p.Leu70Arg; replaces leucine 70 with arginine.
Molecular consequence: missense variant.
Genome position (GRCh38, 1-based): chr11:45,806,010, T>G. VCF-style: chr11-45806010-T-G. GRCh37 (hg19) VCF-style: chr11-45827561-T-G.
Other names: c.170T>G, p.Leu57Arg (NM_001145265.2, NM_001145266.2); short protein forms L70R, L57R.
Identifiers: ClinVar variation 2061935 (VCV002061935.3), dbSNP rs2494692480, ClinGen allele CA380202500.

ClinVar aggregate classification (germline): Uncertain significance (1 of 4 stars; one submission).

Conditions:
Leukocyte adhesion deficiency type II. Also called: CDG IIc; Congenital disorder of glycosylation type 2C; CDG 2C; Leukocyte adhesion deficiency type 2; Rambam Hasharon syndrome; CONGENITAL DISORDER OF GLYCOSYLATION, TYPE IIc. Identifiers: Orphanet 2968, Orphanet 99843, MedGen C0398739, MONDO:0009953, OMIM 266265.

Allele frequency attached by ClinVar (database versions not stated): gnomAD exomes below 0.00001.
gnomAD v4.1: 1 of 1,614,094 alleles (0.000062%); highest among the groups gnomAD compares: Middle Eastern, 0.016%; no homozygotes.

Submission:

Labcorp Genetics (formerly Invitae), Labcorp
Classification: Uncertain significance for Leukocyte adhesion deficiency type II. Last evaluated: 2022-10-05. Review status: criteria provided, single submitter. Criteria: Invitae Variant Classification Sherloc (09022015). Collection method: clinical testing. Allele origin: germline.
Comment: This variant has not been reported in the literature in individuals affected with SLC35C1-related conditions. In summary, the available evidence is currently insufficient to determine the role of this variant in disease. Therefore, it has been classified as a Variant of Uncertain Significance. Advanced modeling of protein sequence and biophysical properties (such as structural, functional, and spatial information, amino acid conservation, physicochemical variation, residue mobility, and thermodynamic stability) performed at Invitae indicates that this missense variant is not expected to disrupt SLC35C1 protein function. This variant is not present in population databases (gnomAD no frequency). This sequence change replaces leucine, which is neutral and non-polar, with arginine, which is basic and polar, at codon 70 of the SLC35C1 protein (p.Leu70Arg).